The following is an entry in ClinVar:

ClinVar aggregate classification (germline): Uncertain significance (1 of 4 stars; one submission).

Submission:

Labcorp Genetics (formerly Invitae), Labcorp
Classification: Uncertain significance. Last evaluated: 2023-07-12. Review status: criteria provided, single submitter. Criteria: Invitae Variant Classification Sherloc (09022015). Collection method: clinical testing. Allele origin: germline.
Comment: This sequence change replaces tyrosine, which is neutral and polar, with histidine, which is basic and polar, at codon 190 of the WNT5A protein (p.Tyr190His). This variant is not present in population databases (gnomAD no frequency). This variant has not been reported in the literature in individuals affected with WNT5A-related conditions. Advanced modeling of protein sequence and biophysical properties (such as structural, functional, and spatial information, amino acid conservation, physicochemical variation, residue mobility, and thermodynamic stability) performed at Invitae indicates that this missense variant is expected to disrupt WNT5A protein function. In summary, the available evidence is currently insufficient to determine the role of this variant in disease. Therefore, it has been classified as a Variant of Uncertain Significance.

NM_003392.7(WNT5A):c.568T>C (p.Tyr190His)

Gene: WNT5A (Wnt family member 5A; minus strand). Cytogenetic location: 3p14.3.
Variant type: single nucleotide variant.
Coding change: c.568T>C on transcript NM_003392.7 (MANE Select); coding-DNA position 568, T replaced by C.
Protein change: p.Tyr190His; replaces tyrosine 190 with histidine.
Molecular consequence: missense variant.
Genome position (GRCh38, 1-based): chr3:55,474,453, A>G on the plus strand (T>C on the coding strand, the complement: WNT5A is on the minus strand). VCF-style: chr3-55474453-A-G. GRCh37 (hg19) VCF-style: chr3-55508481-A-G.
Other names: c.523T>C, p.Tyr175His (NM_001256105.1, NM_001377271.1, NM_001377272.1); short protein forms Y175H, Y190H.
Identifiers: ClinVar variation 2733908 (VCV002733908.3), dbSNP rs2471283269, ClinGen allele CA353274885.
Genomic context (GRCh38, chr3:55,474,453, plus strand): 5'-AGCCCTTGGCGTGGATGCGCTCCCGCTCGCGGGCGTCCACGAACTCCTTGGCAAAGCGGT[A>G]GCCATAGTCGATGTTGTCGCCGCAGCCGCCCCAGAGCCAGTCCCGCGGCAGGTCCTTGGG-3'
Protein context (NP_003383.4, residues 180-200): GGCGDNIDYG[Tyr190His]RFAKEFVDAR